The following is an entry in ClinVar:

ClinVar aggregate classification (germline): Conflicting classifications of pathogenicity. Review status: criteria provided, conflicting classifications (1 of 4 stars). 17 submissions from 16 submitters: Uncertain significance (15); Likely benign (2). Last evaluated 2026-03-03.

Conditions:
MYBPC3-related disorder. Also called: MYBPC3-related disorders; MYBPC3-related condition; MYBPC3-related disease.
Left ventricular noncompaction 10 (LVNC10). Identifiers: Orphanet 154, Orphanet 54260, MedGen C3715165, MONDO:0014163, OMIM 615396.
Cardiovascular phenotype. Identifiers: MedGen CN230736.
Cardiomyopathy (CMYO). Also called: Cardiomyopathies. Identifiers: Orphanet 167848, MedGen C0878544, MONDO:0004994, HP:0001638. Inheritance: Various modes of inheritance.
Hypertrophic cardiomyopathy 4. Also called: Familial hypertrophic cardiomyopathy 4. Identifiers: MedGen C1861862, MONDO:0007268, OMIM 115197.
Hypertrophic cardiomyopathy. Also called: HYPERTROPHIC MYOCARDIOPATHY. Identifiers: Orphanet 217569, MedGen C0007194, MeSH D002312, MONDO:0005045, HP:0001639.

Allele frequency attached by ClinVar (database versions not stated): ExAC 0.00005; gnomAD exomes 0.00006 and 0.00016; TOPMed 0.00011; gnomAD 0.00015 and 0.00016; ESP Exome Variant Server 0.00016.

Submissions 1 to 7 of 17:

Ambry Genetics
Classification: Uncertain significance for Cardiovascular phenotype. Last evaluated: 2026-03-03. Review status: criteria provided, single submitter. Criteria: Ambry Variant Classification Scheme 2023. Collection method: clinical testing. Allele origin: germline.
Comment: The c.2210C>T (p.T737M) alteration is located in exon 23 (coding exon 23) of the MYBPC3 gene. This alteration results from a C to T substitution at nucleotide position 2210, causing the threonine (T) at amino acid position 737 to be replaced by a methionine (M). Based on data from gnomAD, the T allele has an overall frequency of 0.008% (21/280356) total alleles studied. The highest observed frequency was 0.015% (19/128236) of European (non-Finnish) alleles. Based on insufficient or conflicting evidence, the clinical significance of this alteration remains unclear.

Labcorp Genetics (formerly Invitae), Labcorp
Classification: Uncertain significance for Hypertrophic cardiomyopathy. Last evaluated: 2026-01-19. Review status: criteria provided, single submitter. Criteria: Invitae Variant Classification Sherloc (09022015). Collection method: clinical testing. Allele origin: germline.
Comment: This sequence change replaces threonine, which is neutral and polar, with methionine, which is neutral and non-polar, at codon 737 of the MYBPC3 protein (p.Thr737Met). This variant is present in population databases (rs199893357, gnomAD 0.01%). This missense change has been observed in individuals with clinical features of MYBPC3-related conditions (PMID: 27532257, 31983221, 32746448, 33782553; internal data). ClinVar contains an entry for this variant (Variation ID: 42608). An algorithm developed to predict the effect of missense changes on protein structure and function (PolyPhen-2) suggests that this variant is likely to be tolerated. In summary, the available evidence is currently insufficient to determine the role of this variant in disease. Therefore, it has been classified as a Variant of Uncertain Significance.

PreventionGenetics, part of Exact Sciences
Classification: Uncertain significance for MYBPC3-related condition. Last evaluated: 2025-09-09. Review status: criteria provided, single submitter. Criteria: ACMG Guidelines, 2015. Collection method: clinical testing. Allele origin: germline.
Comment: The MYBPC3 c.2210C>T variant is predicted to result in the amino acid substitution p.Thr737Met. This variant has been reported in several individuals with hypertrophic cardiomyopathy (Table S1A and S1B, Walsh et al. 2017. PubMed ID: 27532257; Table S2, Helms et al. 2020. PubMed ID: 32841044; Table S21, Harper et al. 2021. PubMed ID: 33495597) and in two individuals with dilated cardiomyopathy (Table S3, Mazzarotto et al. 2020. PubMed ID: 31983221; Table S2, Burstein et al. 2020. PubMed ID: 32746448). This variant is reported in 0.015% of alleles in individuals of European (non-Finnish) descent in gnomAD and has conflicting interpretations regarding its pathogenicity in ClinVar, ranging from likely benign to uncertain (Variation ID: 42608). At this time, the clinical significance of this variant is uncertain due to the absence of conclusive functional and genetic evidence.

Clinical Genomics Laboratory, Washington University in St. Louis
Classification: Uncertain significance for Hypertrophic cardiomyopathy 4. Last evaluated: 2025-01-07. Review status: criteria provided, single submitter. Criteria: ACMG Guidelines, 2015. Collection method: clinical testing. Allele origin: germline.
Comment: The MYBPC3 c.2210C>T (p.Thr737Met) variant has been reported in at least 9 individuals affected with hypertrophic cardiomyopathy, dilated cardiomyopathy, or arrhythmogenic right ventricular cardiomyopathy and also has been reported in the literature in at least 4 unaffected individuals (Alfares AA et al., PMID: 25611685; Bick AG et al., PMID: 22958901; Burstein DS et al., PMID: 32746448; Helms AS et al., PMID: 32841044; Harper AR et al., PMID: 33495597; Ho CY et al., PMID: 30297972; Kurzlechner LM et al., PMID: 35629155.; Mazzarotto F et al., PMID: 31983221; Miller RJH et al., PMID: 31199839; Ng D et al., PMID: 23861362; Walsh R et al., PMID: 27532257). The highest population minor allele frequency in the population database genome aggregation database (v.4.1.0) is 0.02% in the European (non-Finnish) population which is higher than expected for disorder. This variant has been reported in the ClinVar database as a germline likely benign variant by 1 submitter and a variant of uncertain significance by 9 submitters (Variation ID: 42608). Computational predictors, including a predictor of subdomain protein stability in MYBPC3, suggest that the variant does not impact MYBPC3 function (Thompson AD et al., PMID: 33782553). Due to conflicting information, and based on ACMG/AMP guidelines for variant interpretation (Richards S et al., PMID: 25741868), the clinical significance of this variant is uncertain at this time.

ARUP Laboratories, Molecular Genetics and Genomics, ARUP Laboratories
Classification: Uncertain significance. Last evaluated: 2024-11-21. Review status: criteria provided, single submitter. Criteria: ARUP Molecular Germline Variant Investigation Process 2024. Collection method: clinical testing. Allele origin: germline.
Comment: The MYBPC3 c.2210C>T; p.Thr737Met variant (rs199893357, ClinVar Variation ID: 42608) is reported in the literature in individuals affected with dilated and/or hypertrophic cardiomyopathy (Bick 2012, Burstein 2021, Harper 2021, Helms 2020, Mazzarotto 2020, McGurk 2023, Rippert 2023, Walsh 2017). This variant is found in the general population with an overall allele frequency of 0.008% (21/280,356 alleles) in the Genome Aggregation Database (v2.1.1). Computational analyses are uncertain whether this variant is neutral or deleterious (REVEL: 0.297). Due to limited information, the clinical significance of this variant is uncertain at this time. References: Bick AG et al. Burden of rare sarcomere gene variants in the Framingham and Jackson Heart Study cohorts. Am J Hum Genet. 2012 Sep 7;91(3):513-9. PMID: 22958901. Burstein DS et al. Genetic variant burden and adverse outcomes in pediatric cardiomyopathy. Pediatr Res. 2021 May;89(6):1470-1476. PMID: 32746448. Harper AR et al. Common genetic variants and modifiable risk factors underpin hypertrophic cardiomyopathy susceptibility and expressivity. Nat Genet. 2021 Feb;53(2):135-142. PMID: 33495597. Helms AS et al Spatial and Functional Distribution of MYBPC3 Pathogenic Variants and Clinical Outcomes in Patients With Hypertrophic Cardiomyopathy. Circ Genom Precis Med. 2020 Oct;13(5):396-405. PMID: 32841044. Mazzarotto F et al. Reevaluating the Genetic Contribution of Monogenic Dilated Cardiomyopathy. Circulation. 2020 Feb 4;141(5):387-398. PMID: 31983221. McGurk KA et al. The penetrance of rare variants in cardiomyopathy-associated genes: A cross-sectional approach to estimating penetrance for secondary findings. Am J Hum Genet. 2023 Sep 7;110(9):1482-1495. PMID: 37652022. Rippert AL et al. Evaluating the Utility of a New Pathogenicity Predictor for Pediatric Cardiomyopathy. Human Mutation, 2023 Oct; DOI 10.1155/2023/8892833. Walsh R et al. Reassessment of Mendelian gene pathogenicity using 7,855 cardiomyopathy cases and 60,706 reference samples. Genet Med. 2017 Feb;19(2):192-203. PMID: 27532257.

Blueprint Genetics
Classification: Likely benign. Last evaluated: 2024-10-23. Review status: criteria provided, single submitter. Criteria: ACMG Guidelines, 2015. Collection method: clinical testing. Allele origin: germline.

All of Us Research Program, National Institutes of Health
Classification: Uncertain significance for Hypertrophic cardiomyopathy. Last evaluated: 2024-09-23. Review status: criteria provided, single submitter. Criteria: ACMG Guidelines, 2015. Collection method: clinical testing. Allele origin: germline. Inheritance: Autosomal dominant inheritance. Observed: 40 variant alleles, 40 heterozygotes.
Comment: This missense variant replaces threonine with methionine at codon 737 of the MYBPC3 protein. Computational prediction suggests that this variant may have a neutral impact protein structure and function. To our knowledge, functional studies have not been reported for this variant. This variant has been reported in five individuals affected with hypertrophic cardiomyopathy (PMID: 27532257, 32841044, 33495597). This variant has also been reported in two individuals affected with dilated cardiomyopathy (PMID: 31983221 and 32746448). This variant has also been identified in 21/280356 chromosomes in the general population by the Genome Aggregation Database (gnomAD). The available evidence is insufficient to determine the role of this variant in disease conclusively. Therefore, this variant is classified as a Variant of Uncertain Significance.

This study involves interpretation of variants in research participants for the purpose of population health screening. Participant phenotype was not available at the time of variant classification. Additional details can be found in publication PMID: 35346344, PMCID: PMC8962531

NM_000256.3(MYBPC3):c.2210C>T (p.Thr737Met)

Gene: MYBPC3 (myosin binding protein C3; minus strand). Cytogenetic location: 11p11.2.
Variant type: single nucleotide variant.
Coding change: c.2210C>T on transcript NM_000256.3 (MANE Select); coding-DNA position 2210, C replaced by T.
Protein change: p.Thr737Met; replaces threonine 737 with methionine.
Molecular consequence: missense variant.
Genome position (GRCh38, 1-based): chr11:47,338,618, G>A on the plus strand (C>T on the coding strand, the complement: MYBPC3 is on the minus strand). VCF-style: chr11-47338618-G-A. GRCh37 (hg19) VCF-style: chr11-47360169-G-A.
Other names: p.T737M:ACG>ATG; short protein forms T737M.
Identifiers: ClinVar variation 42608 (VCV000042608.36), dbSNP rs199893357, ClinGen allele CA011903.